The following is an entry in ClinVar:

ClinVar aggregate classification (germline): Pathogenic (1 of 4 stars; one submission).

gnomAD v4.1: 1 of 1,613,816 alleles (0.000062%); highest among the groups gnomAD compares: Non-Finnish European, 0.000085%; no homozygotes.

Submission:

GeneDx
Classification: Pathogenic. Last evaluated: 2023-09-12. Review status: criteria provided, single submitter. Criteria: GeneDx Variant Classification Process June 2021. Collection method: clinical testing. Allele origin: germline. Affected: yes.
Comment: Nonsense variant predicted to result in protein truncation or nonsense mediated decay in a gene for which loss of function is a known mechanism of disease; Not observed at significant frequency in large population cohorts (gnomAD); Has not been previously published as pathogenic or benign to our knowledge

NM_001162501.2(TNRC6B):c.1249C>T (p.Arg417Ter)

Gene: TNRC6B (trinucleotide repeat containing adaptor 6B; plus strand). Cytogenetic location: 22q13.1.
Variant type: single nucleotide variant.
Coding change: c.1249C>T on transcript NM_001162501.2 (MANE Select); coding-DNA position 1249, C replaced by T.
Protein change: p.Arg417Ter; replaces arginine 417 with a stop codon.
Molecular consequence: nonsense. On other transcripts: intron variant (1).
Genome position (GRCh38, 1-based): chr22:40,265,479, C>T. VCF-style: chr22-40265479-C-T. GRCh37 (hg19) VCF-style: chr22-40661483-C-T.
Other names: c.1249C>T, p.Arg417Ter (NM_015088.3); c.565+3306C>T (NM_001024843.2); short protein forms R417*.
Identifiers: ClinVar variation 2579964 (VCV002579964.1), dbSNP rs201621003, ClinGen allele CA411629034.